The following is an entry in ClinVar:

NM_130468.4(CHST14):c.128C>T (p.Ser43Phe)

Genes: CHST14 (carbohydrate sulfotransferase 14; plus strand), LOC130056851 (ATAC-STARR-seq lymphoblastoid silent region 6336; plus strand). Cytogenetic location: 15q15.1.
Variant type: single nucleotide variant.
Coding change: c.128C>T on transcript NM_130468.4 (MANE Select); coding-DNA position 128, C replaced by T.
Protein change: p.Ser43Phe; replaces serine 43 with phenylalanine.
Molecular consequence: missense variant.
Genome position (GRCh38, 1-based): chr15:40,471,341, C>T. VCF-style: chr15-40471341-C-T. GRCh37 (hg19) VCF-style: chr15-40763540-C-T.
Other names: short protein forms S43F.
Identifiers: ClinVar variation 3492642 (VCV003492642.1).
Genomic context (GRCh38, chr15:40,471,341, plus strand): 5'-GGCGGGCCCCTCTGGGCAGGGCCCGGGCGGGGCTGGGTGGGCCGCCCCTGCTGCTGCCGT[C>T]CATGCTGATGTTTGCGGTGATCGTGGCCTCCAGCGGGCTGCTGCTCATGATCGAGCGGGG-3'
Protein context (NP_569735.1, residues 33-53): GLGGPPLLLP[Ser43Phe]MLMFAVIVAS

ClinVar aggregate classification (germline): Uncertain significance (1 of 4 stars; one submission).

Conditions:
Cardiovascular phenotype. Identifiers: MedGen CN230736.

Submission:

Ambry Genetics
Classification: Uncertain significance for Cardiovascular phenotype. Last evaluated: 2024-10-07. Review status: criteria provided, single submitter. Criteria: Ambry Variant Classification Scheme 2023. Collection method: clinical testing. Allele origin: germline.
Comment: The p.S43F variant (also known as c.128C>T), located in coding exon 1 of the CHST14 gene, results from a C to T substitution at nucleotide position 128. The serine at codon 43 is replaced by phenylalanine, an amino acid with highly dissimilar properties. This amino acid position is conserved. In addition, the in silico prediction for this alteration is inconclusive. Based on the available evidence, the clinical significance of this variant remains unclear.